The following is an entry in ClinVar:

NM_176869.3(PPA2):c.175_177del (p.Tyr59del)

Gene: PPA2 (inorganic pyrophosphatase 2; minus strand). Cytogenetic location: 4q24.
Variant type: Deletion.
Coding change: c.175_177del on transcript NM_176869.3 (MANE Select); coding-DNA positions 175 to 177, 3 bases deleted (TAC; older notation c.175_177delTAC).
Protein change: p.Tyr59del; deletes tyrosine 59.
Molecular consequence: inframe deletion. On other transcripts: intron variant (1).
Genome position (GRCh38, 1-based): chr4:105,456,726-105,456,728, GTA deleted on the plus strand (TAC on the coding strand, the reverse complement: PPA2 is on the minus strand); deleting any 3 consecutive bases within chr4:105,456,726-105,456,730 gives the same sequence; the c. name uses the placement nearest the transcript's 3' end. VCF-style (leftmost placement, unchanged base first): chr4-105456725-TGTA-T. GRCh37 (hg19) VCF-style: chr4-106377882-TGTA-T.
Other names: c.175_177del, p.Tyr59del (NM_006903.4, NM_176866.2); c.157+17166_157+17168del (NM_176867.3); short protein forms Y59del.
Identifiers: ClinVar variation 2221046 (VCV002221046.2), dbSNP rs1722889678, ClinGen allele CA1482786152.

ClinVar aggregate classification (germline): Uncertain significance (1 of 4 stars; one submission).

Conditions:
Inborn genetic diseases. Identifiers: MedGen C0950123, MeSH D030342.

Submission:

Ambry Genetics
Classification: Uncertain significance for Inborn genetic diseases. Last evaluated: 2022-09-20. Review status: criteria provided, single submitter. Criteria: Ambry Variant Classification Scheme 2023. Collection method: clinical testing. Allele origin: germline.
Comment: The c.175_177delTAC (p.Y59del) alteration is located in exon 2 (coding exon 2) of the PPA2 gene. This alteration consists of an in-frame deletion of 3 nucleotides between nucleotide positions c.175 and c.177, resulting in the deletion of <NA> residues. Based on insufficient or conflicting evidence, the clinical significance of this alteration remains unclear.